The following is an entry in ClinVar:

ClinVar aggregate classification (germline): Uncertain significance (1 of 4 stars; one submission).

Conditions:
Myofibrillar myopathy 6. Identifiers: Orphanet 199340, MedGen C2751831, MONDO:0013061, OMIM 612954.
Dilated cardiomyopathy 1HH (CMD1HH). Identifiers: Orphanet 154, MedGen C3151293, MONDO:0013479, OMIM 613881.

Submission:

Labcorp Genetics (formerly Invitae), Labcorp
Classification: Uncertain significance for Dilated cardiomyopathy 1HH; Myofibrillar myopathy 6. Last evaluated: 2023-12-23. Review status: criteria provided, single submitter. Criteria: Invitae Variant Classification Sherloc (09022015). Collection method: clinical testing. Allele origin: germline.
Comment: This sequence change replaces glutamine, which is neutral and polar, with arginine, which is basic and polar, at codon 153 of the BAG3 protein (p.Gln153Arg). This variant is not present in population databases (gnomAD no frequency). This variant has not been reported in the literature in individuals affected with BAG3-related conditions. Advanced modeling of protein sequence and biophysical properties (such as structural, functional, and spatial information, amino acid conservation, physicochemical variation, residue mobility, and thermodynamic stability) performed at Invitae indicates that this missense variant is not expected to disrupt BAG3 protein function with a negative predictive value of 80%. In summary, the available evidence is currently insufficient to determine the role of this variant in disease. Therefore, it has been classified as a Variant of Uncertain Significance.

NM_004281.4(BAG3):c.458A>G (p.Gln153Arg)

Gene: BAG3 (BAG cochaperone 3; plus strand). Cytogenetic location: 10q26.11.
Variant type: single nucleotide variant.
Coding change: c.458A>G on transcript NM_004281.4 (MANE Select); coding-DNA position 458, A replaced by G.
Protein change: p.Gln153Arg; replaces glutamine 153 with arginine.
Molecular consequence: missense variant.
Genome position (GRCh38, 1-based): chr10:119,670,128, A>G. VCF-style: chr10-119670128-A-G. GRCh37 (hg19) VCF-style: chr10-121429640-A-G.
Other names: short protein forms Q153R.
Identifiers: ClinVar variation 2923655 (VCV002923655.3), dbSNP rs2494009779, ClinGen allele CA378295137.